The following is an entry in ClinVar:

NM_001009999.3(KDM1A):c.1469C>G (p.Ser490Cys)

Gene: KDM1A (lysine demethylase 1A; plus strand). Cytogenetic location: 1p36.12.
Variant type: single nucleotide variant.
Coding change: c.1469C>G on transcript NM_001009999.3 (MANE Select); coding-DNA position 1469, C replaced by G.
Protein change: p.Ser490Cys; replaces serine 490 with cysteine.
Molecular consequence: missense variant.
Genome position (GRCh38, 1-based): chr1:23,071,280, C>G. VCF-style: chr1-23071280-C-G. GRCh37 (hg19) VCF-style: chr1-23397773-C-G.
Other names: c.1397C>G, p.Ser466Cys (NM_001363654.2, NM_001410763.1, NM_015013.4); c.1457C>G, p.Ser486Cys (NM_001410762.1); short protein forms S486C, S466C, S490C.
Identifiers: ClinVar variation 3863268 (VCV003863268.1).

ClinVar aggregate classification (germline): Uncertain significance (1 of 4 stars; one submission).

Conditions:
Inborn genetic diseases. Identifiers: MedGen C0950123, MeSH D030342.

gnomAD v4.1: 9 of 1,611,454 alleles (0.00056%); highest among the groups gnomAD compares: Non-Finnish European, 0.00076%; no homozygotes.

Submission:

Ambry Genetics
Classification: Uncertain significance for Inborn genetic diseases. Last evaluated: 2025-01-14. Review status: criteria provided, single submitter. Criteria: Ambry Variant Classification Scheme 2023. Collection method: clinical testing. Allele origin: germline.
Comment: The p.S490C variant (also known as c.1469C>G), located in coding exon 13 of the KDM1A gene, results from a C to G substitution at nucleotide position 1469. The serine at codon 490 is replaced by cysteine, an amino acid with dissimilar properties. This amino acid position is conserved. In addition, this alteration is predicted to be tolerated by in silico analysis. Based on the available evidence, the clinical significance of this variant remains unclear.